The following is an entry in ClinVar:

NM_013335.4(GMPPA):c.969C>T (p.Ile323=)

Genes: ASIC4-AS1 (ASIC4 antisense RNA 1; minus strand), GMPPA (GDP-mannose pyrophosphorylase A; plus strand). Cytogenetic location: 2q35.
Variant type: single nucleotide variant.
Coding change: c.969C>T on transcript NM_013335.4 (MANE Select); coding-DNA position 969, C replaced by T.
Protein change: p.Ile323=; no amino-acid change (isoleucine 323 retained).
Molecular consequence: synonymous variant.
Genome position (GRCh38, 1-based): chr2:219,506,048, C>T. VCF-style: chr2-219506048-C-T. GRCh37 (hg19) VCF-style: chr2-220370770-C-T.
Other names: c.969C>T, p.Ile323= (NM_001374294.1, NM_001374295.1, NM_205847.3).
Identifiers: ClinVar variation 2651932 (VCV002651932.24), dbSNP rs945160946, ClinGen allele CA66014047.

ClinVar aggregate classification (germline): Likely benign (1 of 4 stars; one submission).

Allele frequency attached by ClinVar (database versions not stated): TOPMed 0.00001.

Submission:

CeGaT Center for Human Genetics Tuebingen
Classification: Likely benign. Last evaluated: 2022-08-01. Review status: criteria provided, single submitter. Criteria: CeGaT Center For Human Genetics Tuebingen Variant Classification Criteria Version 2. Collection method: clinical testing. Allele origin: germline. Affected: yes. Observed: 1 variant allele.
Comment: GMPPA: BP4, BP7